The following is an entry in ClinVar:

ClinVar aggregate classification (germline): Benign. Review status: criteria provided, multiple submitters, no conflicts (2 of 4 stars). 6 submissions from 6 submitters: Benign (6). Last evaluated 2026-02-01.

Conditions:
Congenital contractural arachnodactyly (CCA). Also called: BEALS SYNDROME; Arthrogryposis, distal, type 9; Beals-Hecht syndrome. Identifiers: Orphanet 115, MedGen C0220668, MONDO:0007363, OMIM 121050.

Allele frequency attached by ClinVar (database versions not stated): TOPMed 0.00028; ESP Exome Variant Server 0.00038; gnomAD exomes 0.00080 and 0.00190; gnomAD 0.00126 and 0.00135; ExAC 0.00213.
gnomAD v4.1: 1,389 of 1,613,842 alleles (0.086%); highest among the groups gnomAD compares: Non-Finnish European, 0.041%; 10 homozygotes.

Submissions (6):

Labcorp Genetics (formerly Invitae), Labcorp
Classification: Benign for Congenital contractural arachnodactyly. Last evaluated: 2026-02-01. Review status: criteria provided, single submitter. Criteria: Invitae Variant Classification Sherloc (09022015). Collection method: clinical testing. Allele origin: germline.

Women's Health and Genetics/Laboratory Corporation of America, LabCorp
Classification: Benign. Last evaluated: 2025-06-07. Review status: criteria provided, single submitter. Criteria: LabCorp Variant Classification Summary - May 2015. Collection method: clinical testing. Allele origin: germline.

Blueprint Genetics
Classification: Benign. Last evaluated: 2024-11-23. Review status: criteria provided, single submitter. Criteria: ACMG Guidelines, 2015. Collection method: clinical testing. Allele origin: germline.

ARUP Laboratories, Molecular Genetics and Genomics, ARUP Laboratories
Classification: Benign. Last evaluated: 2023-03-02. Review status: criteria provided, single submitter. Criteria: ARUP Molecular Germline Variant Investigation Process 2024. Collection method: clinical testing. Allele origin: germline.

Illumina Laboratory Services, Illumina
Classification: Benign for Congenital contractural arachnodactyly. Last evaluated: 2018-01-12. Review status: criteria provided, single submitter. Criteria: ICSL Variant Classification Criteria 13 December 2019. Collection method: clinical testing. Allele origin: germline.
Comment: This variant was observed in the ICSL laboratory as part of a predisposition screen in an ostensibly healthy population. It had not been previously curated by ICSL or reported in the Human Gene Mutation Database (HGMD: prior to June 1st, 2018), and was therefore a candidate for classification through an automated scoring system. Utilizing variant allele frequency, disease prevalence and penetrance estimates, and inheritance mode, an automated score was calculated to assess if this variant is too frequent to cause the disease. Based on the score and internal cut-off values, a variant classified as benign is not then subjected to further curation. The score for this variant resulted in a classification of benign for this disease.

GeneDx
Classification: Benign. Last evaluated: 2014-07-24. Review status: criteria provided, single submitter. Criteria: GeneDx Variant Classification (06012015). Collection method: clinical testing. Allele origin: germline. Affected: yes.
Comment: This variant is considered likely benign or benign based on one or more of the following criteria: it is a conservative change, it occurs at a poorly conserved position in the protein, it is predicted to be benign by multiple in silico algorithms, and/or has population frequency not consistent with disease.

NM_001999.4(FBN2):c.4595-11G>C

Gene: FBN2 (fibrillin 2; minus strand). Cytogenetic location: 5q23.3.
Variant type: single nucleotide variant.
Coding change: c.4595-11G>C on transcript NM_001999.4 (MANE Select); 11 bases into the intron before coding-DNA position 4595, G replaced by C.
Molecular consequence: intron variant.
Genome position (GRCh38, 1-based): chr5:128,318,282, C>G on the plus strand (G>C on the coding strand, the complement: FBN2 is on the minus strand). VCF-style: chr5-128318282-C-G. GRCh37 (hg19) VCF-style: chr5-127653974-C-G.
Identifiers: ClinVar variation 213234 (VCV000213234.14), dbSNP rs199640787, ClinGen allele CA321593.
Genomic context (GRCh38, chr5:128,318,282, plus strand): 5'-GACACATAGGCCATTGACACAGTTTATAGGATCTGCACACTCATCAATATCTAGGAGAAG[C>G]ATTTAAAATGCCCAGGTTACCATTTTTACTTTTTCTGTGCATACTGCTGTTCCAAAGAAT-3'